The following is an entry in ClinVar:

ClinVar aggregate classification (germline): Pathogenic/Likely pathogenic. Review status: criteria provided, multiple submitters, no conflicts (2 of 4 stars). 2 submissions from 2 submitters: Pathogenic (1); Likely pathogenic (1). Last evaluated 2024-10-01.

Conditions:
Wilson disease (WND). Also called: Wilson's disease. Identifiers: Orphanet 905, MedGen C0019202, MONDO:0010200, OMIM 277900. Disease mechanism: loss of function.

Submissions (2):

All of Us Research Program, National Institutes of Health
Classification: Likely pathogenic for Wilson disease. Last evaluated: 2024-10-01. Review status: criteria provided, single submitter. Criteria: ACMG Guidelines, 2015. Collection method: clinical testing. Allele origin: germline. Inheritance: Autosomal recessive inheritance. Observed: 1 variant allele, 1 heterozygote.
Comment: This variant is predicted to result in loss of protein function through nonsense-mediated decay or protein truncation. Loss of function is an established mechanism of disease. This variant is absent from large population databases, including the Genome Aggregation Database. To our knowledge, it has not been published in association with human disease to date.

This study involves interpretation of variants in research participants for the purpose of population health screening. Participant phenotype was not available at the time of variant classification. Additional details can be found in publication PMID: 35346344, PMCID: PMC8962531

Labcorp Genetics (formerly Invitae), Labcorp
Classification: Pathogenic for Wilson disease. Last evaluated: 2024-05-12. Review status: criteria provided, single submitter. Criteria: Invitae Variant Classification Sherloc (09022015). Collection method: clinical testing. Allele origin: germline.
Comment: This sequence change creates a premature translational stop signal (p.Cys1079Valfs*42) in the ATP7B gene. It is expected to result in an absent or disrupted protein product. Loss-of-function variants in ATP7B are known to be pathogenic (PMID: 10441329, 16283883). This variant is not present in population databases (gnomAD no frequency). This variant has not been reported in the literature in individuals affected with ATP7B-related conditions. For these reasons, this variant has been classified as Pathogenic.

Literature cited by the submitters: PubMed 10441329 (cited by Labcorp Genetics (formerly Invitae), Labcorp); PubMed 16283883 (cited by Labcorp Genetics (formerly Invitae), Labcorp).

NM_000053.4(ATP7B):c.3234del (p.Cys1079fs)

Gene: ATP7B (ATPase copper transporting beta; minus strand). Cytogenetic location: 13q14.3.
Variant type: Deletion.
Coding change: c.3234del on transcript NM_000053.4 (MANE Select); coding-DNA position 3234, one base deleted (C; older notation c.3234delC).
Protein change: p.Cys1079fs; shifts the reading frame from cysteine 1079.
Molecular consequence: frameshift variant. On other transcripts: intron variant (1).
Genome position (GRCh38, 1-based): chr13:51,944,118, G deleted on the plus strand (C on the coding strand, the reverse complement: ATP7B is on the minus strand). VCF-style (leftmost placement, unchanged base first): chr13-51944117-AG-A. GRCh37 (hg19) VCF-style: chr13-52518253-AG-A.
Other names: c.3201del, p.Cys1068fs (NM_001406514.1); c.3180del, p.Cys1061fs (NM_001406515.1, NM_001406516.1); c.2553del, p.Cys852fs (NM_001406546.1); c.2391del, p.Cys798fs (NM_001406547.1); c.1944del, p.Cys649fs (NM_001406548.1); c.3061-1564del (NM_001406523.1); c.3234del, p.Cys1079fs (NM_001406526.1, NM_001406511.1, NM_001406512.1); c.3000del, p.Cys1001fs (NM_001406527.1, NM_001406528.1, NM_001406538.1 and 1 more transcripts); and 19 more; short protein forms C1031fs, C1034fs, C1047fs, C1061fs, C1068fs, C1077fs, C1079fs, C649fs.
Identifiers: ClinVar variation 3387514 (VCV003387514.3).
Genomic context (GRCh38, chr13:51,944,117, plus strand): 5'-GGAATAAAAGAGCATTGGCGGGGAGGGCAGGGCCACGCCCAAGTCCACGTACCTCTTTAC[AG>A]TATTTGGTGACTGCCACGCCCAAGGGGTGTTCACTGCTGGCCTCCGCAGTCCCCACCACA-3'